The following is an entry in ClinVar:

ClinVar aggregate classification (germline): Uncertain significance (1 of 4 stars; one submission).

Submission:

Ambry Genetics
Classification: Uncertain significance. Last evaluated: 2023-11-09. Review status: criteria provided, single submitter. Criteria: Ambry Variant Classification Scheme 2023. Collection method: clinical testing. Allele origin: germline.
Comment: The p.R856G variant (also known as c.2566C>G), located in coding exon 16 of the POLQ gene, results from a C to G substitution at nucleotide position 2566. The arginine at codon 856 is replaced by glycine, an amino acid with dissimilar properties. This amino acid position is conserved. In addition, the in silico prediction for this alteration is inconclusive. Since supporting evidence is limited at this time, the clinical significance of this alteration remains unclear.

NM_199420.4(POLQ):c.2566C>G (p.Arg856Gly)

Gene: POLQ (DNA polymerase theta; minus strand). Cytogenetic location: 3q13.33.
Variant type: single nucleotide variant.
Coding change: c.2566C>G on transcript NM_199420.4 (MANE Select); coding-DNA position 2566, C replaced by G.
Protein change: p.Arg856Gly; replaces arginine 856 with glycine.
Molecular consequence: missense variant.
Genome position (GRCh38, 1-based): chr3:121,490,365, G>C on the plus strand (C>G on the coding strand, the complement: POLQ is on the minus strand). VCF-style: chr3-121490365-G-C. GRCh37 (hg19) VCF-style: chr3-121209212-G-C.
Other names: short protein forms R856G.
Identifiers: ClinVar variation 3229888 (VCV003229888.1), dbSNP rs200486636, ClinGen allele CA354105866.
Genomic context (GRCh38, chr3:121,490,365, plus strand): 5'-CTGCTTCCCTTTCAGTTAAACCTTTTCTGCCAGTCACCCAGATAGTTCGCATATTGCGAC[G>C]TTCTTCAACTGCTTCCTCTTCCTCATCCACTGCCTTCCGGGCACTACACAAGGAGATGGG-3'
Protein context (NP_955452.3, residues 846-866): VDEEEEAVEE[Arg856Gly]RNMRTIWVTG